The following is an entry in ClinVar:

NM_005215.4(DCC):c.1688T>G (p.Leu563Trp)

Gene: DCC (DCC netrin 1 receptor; plus strand). Cytogenetic location: 18q21.2.
Variant type: single nucleotide variant.
Coding change: c.1688T>G on transcript NM_005215.4 (MANE Select); coding-DNA position 1688, T replaced by G.
Protein change: p.Leu563Trp; replaces leucine 563 with tryptophan.
Molecular consequence: missense variant.
Genome position (GRCh38, 1-based): chr18:53,205,330, T>G. VCF-style: chr18-53205330-T-G. GRCh37 (hg19) VCF-style: chr18-50731700-T-G.
Other names: short protein forms L563W.
Identifiers: ClinVar variation 4540182 (VCV004540182.2).

ClinVar aggregate classification (germline): Uncertain significance (1 of 4 stars; one submission).

gnomAD v4.1: 1 of 1,614,026 alleles (0.000062%); highest among the groups gnomAD compares: Non-Finnish European, 0.000085%; no homozygotes.

Submission:

GeneDx
Classification: Uncertain significance. Last evaluated: 2026-09-15. Review status: criteria provided, single submitter. Criteria: GeneDx Variant Classification Process June 2021. Collection method: clinical testing. Allele origin: germline.
Comment: Not observed at significant frequency in large population cohorts (gnomAD); In silico analysis supports that this missense variant has a deleterious effect on protein structure/function; Has not been previously published as pathogenic or benign to our knowledge